The following is an entry in ClinVar:

ClinVar aggregate classification (germline): Conflicting classifications of pathogenicity. Review status: criteria provided, conflicting classifications (1 of 4 stars). 2 submissions from 2 submitters: Uncertain significance (1); Benign (1). Last evaluated 2025-10-06.

Allele frequency attached by ClinVar (database versions not stated): TOPMed 0.00006; gnomAD exomes 0.00003 and 0.00006; ExAC 0.00009; gnomAD 0.00003 and 0.00001; ESP Exome Variant Server 0.00008.
gnomAD v4.1: 45 of 1,609,778 alleles (0.0028%); highest among the groups gnomAD compares: Admixed American, 0.013%; no homozygotes.

Submissions (3):

Labcorp Genetics (formerly Invitae), Labcorp
Classification: Uncertain significance. Last evaluated: 2025-10-06. Review status: criteria provided, single submitter. Criteria: Invitae Variant Classification Sherloc (09022015). Collection method: clinical testing. Allele origin: germline.
Comment: This sequence change falls in intron 9 of the EEF2 gene. It does not directly change the encoded amino acid sequence of the EEF2 protein. This variant is present in population databases (rs376174565, gnomAD 0.02%). This variant has not been reported in the literature in individuals affected with EEF2-related conditions. ClinVar contains an entry for this variant (Variation ID: 585822). Algorithms developed to predict the effect of sequence changes on RNA splicing suggest that this variant may disrupt the consensus splice site. In summary, the available evidence is currently insufficient to determine the role of this variant in disease. Therefore, it has been classified as a Variant of Uncertain Significance.

Athena Diagnostics
Classification: Benign. Last evaluated: 2018-06-30. Review status: criteria provided, single submitter. Criteria: Athena Diagnostics Criteria. Collection method: clinical testing. Allele origin: germline.

Dr. Peter K. Rogan Lab, Western University
No classification provided (evidence only). Condition: Ovarian serous cystadenocarcinoma. Review status: no classification provided. Collection method: in vitro. Allele origin: not applicable. Functional consequence: retained intron. Not counted in ClinVar's aggregate classification.

NM_001961.4(EEF2):c.1347-8T>G

Gene: EEF2 (eukaryotic translation elongation factor 2; minus strand). Cytogenetic location: 19p13.3.
Variant type: single nucleotide variant.
Coding change: c.1347-8T>G on transcript NM_001961.4 (MANE Select); 8 bases into the intron before coding-DNA position 1347, T replaced by G.
Molecular consequence: intron variant.
Genome position (GRCh38, 1-based): chr19:3,980,074, A>C on the plus strand (T>G on the coding strand, the complement: EEF2 is on the minus strand). VCF-style: chr19-3980074-A-C. GRCh37 (hg19) VCF-style: chr19-3980072-A-C.
Identifiers: ClinVar variation 585822 (VCV000585822.6), dbSNP rs376174565, ClinGen allele CA9088897.
Genomic context (GRCh38, chr19:3,980,074, plus strand): 5'-CACAAGGCACATCCTCGATGGGCTCCACGTAGCGGCCCATCATCAAGATTGTTCTGGAAG[A>C]AGCAGAAGGCGGCAGCAGGCCGCAGGGATGGTTGTGCTGGACCCTGGAGGGCCAGGGCAG-3'